The following is an entry in ClinVar:

ClinVar aggregate classification (germline): Uncertain significance (1 of 4 stars; one submission).

Conditions:
BDNF-related disorder. Also called: BDNF-related condition.

Submission:

PreventionGenetics, part of Exact Sciences
Classification: Uncertain significance for BDNF-related condition. Last evaluated: 2025-05-22. Review status: criteria provided, single submitter. Criteria: ACMG Guidelines, 2015. Collection method: clinical testing. Allele origin: germline.
Comment: The BDNF c.3+5G>A variant is predicted to interfere with splicing. To our knowledge, this variant has not been reported in the literature or in a large population database (gnomAD), indicating this variant is rare. At this time, the clinical significance of this variant is uncertain due to the absence of conclusive functional and genetic evidence.

NM_170731.5(BDNF):c.3+5G>A

Gene: BDNF (brain derived neurotrophic factor; minus strand). Cytogenetic location: 11p14.1.
Variant type: single nucleotide variant.
Coding change: c.3+5G>A on transcript NM_170731.5; 5 bases into the intron after coding-DNA position 3, G replaced by A.
Molecular consequence: intron variant.
Genome position (GRCh38, 1-based): chr11:27,721,407, C>T on the plus strand (G>A on the coding strand, the complement: BDNF is on the minus strand). VCF-style: chr11-27721407-C-T. GRCh37 (hg19) VCF-style: chr11-27742954-C-T.
Identifiers: ClinVar variation 5002587 (VCV005002587.1).